The following is an entry in ClinVar:

NM_000020.3(ACVRL1):c.154A>C (p.Thr52Pro)

Gene: ACVRL1 (activin A receptor like type 1; plus strand). Cytogenetic location: 12q13.13.
Variant type: single nucleotide variant.
Coding change: c.154A>C on transcript NM_000020.3 (MANE Select); coding-DNA position 154, A replaced by C.
Protein change: p.Thr52Pro; replaces threonine 52 with proline.
Molecular consequence: missense variant.
Genome position (GRCh38, 1-based): chr12:51,913,191, A>C. VCF-style: chr12-51913191-A-C. GRCh37 (hg19) VCF-style: chr12-52306975-A-C.
Other names: c.154A>C, p.Thr52Pro (NM_001077401.2, NM_001406487.1, NM_001406488.1 and 6 more transcripts); short protein forms T52P.
Identifiers: ClinVar variation 1775004 (VCV001775004.2), dbSNP rs1131691346, ClinGen allele CA384897726.
Genomic context (GRCh38, chr12:51,913,191, plus strand): 5'-GTGACCTGCACGTGTGAGAGCCCACATTGCAAGGGGCCTACCTGCCGGGGGGCCTGGTGC[A>C]CAGTAGTGCTGGTGCGGGAGGAGGGGAGGCACCCCCAGGAACATCGGGGCTGCGGGAACT-3'
Protein context (NP_000011.2, residues 42-62): KGPTCRGAWC[Thr52Pro]VVLVREEGRH

ClinVar aggregate classification (germline): Likely pathogenic (1 of 4 stars; one submission).

Conditions:
Cardiovascular phenotype. Identifiers: MedGen CN230736.

Submission:

Ambry Genetics
Classification: Likely pathogenic for Cardiovascular phenotype. Last evaluated: 2016-09-26. Review status: criteria provided, single submitter. Criteria: Ambry Variant Classification Scheme 2023. Collection method: clinical testing. Allele origin: germline.
Comment: The p.T52P variant (also known as c.154A>C), located in coding exon 2 of the ACVRL1 gene, results from an A to C substitution at nucleotide position 154. The threonine at codon 52 is replaced by proline, an amino acid with highly similar properties. This variant was not reported in population based cohorts in the following databases: Database of Single Nucleotide Polymorphisms (dbSNP), NHLBI Exome Sequencing Project (ESP), and 1000 Genomes Project. In the ESP, this variant was not observed in 6488 samples (12976 alleles) with coverage at this position. This amino acid position is well conserved on limited sequence alignment. In addition, this alteration is predicted to be deleterious by in silico analysis. An alteration at the same amino acid position, T52A, was reported in an individual with telangiectasia and arteriovenous malformation (Bossler AD et al. Hum. Mutat., 2006 Jul;27:667-75). Based on the majority of available evidence to date, this variant is likely to be pathogenic.

Literature cited by the submitters: PubMed 16752392.